The following is an entry in ClinVar:

NM_001134363.3(RBM20):c.2975C>G (p.Pro992Arg)

Gene: RBM20 (RNA binding motif protein 20; plus strand). Cytogenetic location: 10q25.2.
Variant type: single nucleotide variant.
Coding change: c.2975C>G on transcript NM_001134363.3 (MANE Select); coding-DNA position 2975, C replaced by G.
Protein change: p.Pro992Arg; replaces proline 992 with arginine.
Molecular consequence: missense variant.
Genome position (GRCh38, 1-based): chr10:110,821,594, C>G. VCF-style: chr10-110821594-C-G. GRCh37 (hg19) VCF-style: chr10-112581352-C-G.
Other names: short protein forms P992R.
Identifiers: ClinVar variation 1053183 (VCV001053183.9), dbSNP rs1844911019, ClinGen allele CA378378712.

ClinVar aggregate classification (germline): Uncertain significance (1 of 4 stars; one submission).

Conditions:
Dilated cardiomyopathy 1DD (CMD1DD). Identifiers: Orphanet 154, MedGen C2750995, MONDO:0013168, OMIM 613172.

Submission:

Labcorp Genetics (formerly Invitae), Labcorp
Classification: Uncertain significance for Dilated cardiomyopathy 1DD. Last evaluated: 2020-07-14. Review status: criteria provided, single submitter. Criteria: Invitae Variant Classification Sherloc (09022015). Collection method: clinical testing. Allele origin: germline.
Comment: In summary, the available evidence is currently insufficient to determine the role of this variant in disease. Therefore, it has been classified as a Variant of Uncertain Significance. Algorithms developed to predict the effect of missense changes on protein structure and function are either unavailable or do not agree on the potential impact of this missense change (SIFT: "Deleterious"; PolyPhen-2: "Possibly Damaging"; Align-GVGD: "Class C0"). This variant has not been reported in the literature in individuals with RBM20-related conditions. This variant is not present in population databases (ExAC no frequency). This sequence change replaces proline with arginine at codon 992 of the RBM20 protein (p.Pro992Arg). The proline residue is highly conserved and there is a moderate physicochemical difference between proline and arginine.